The following is an entry in ClinVar:

ClinVar aggregate classification (germline): Uncertain significance. Review status: criteria provided, multiple submitters, no conflicts (2 of 4 stars). 2 submissions from 2 submitters: Uncertain significance (2). Last evaluated 2025-03-23.

Conditions:
Ataxia-telangiectasia syndrome (AT). Also called: Ataxia telangiectasia (A-T); LOUIS-BAR SYNDROME; Cerebello-oculocutaneous telangiectasia; Immunodeficiency with ataxia telangiectasia; Ataxia-telangiectasia, complementation group D; AT, COMPLEMENTATION GROUP C. Identifiers: Orphanet 100, MedGen C0004135, MONDO:0008840, OMIM 208900.
Hereditary cancer-predisposing syndrome. Also called: Hereditary neoplastic syndrome; Neoplastic Syndromes, Hereditary; Tumor predisposition; Hereditary Cancer Syndrome. Identifiers: Orphanet 140162, MedGen C0027672, MeSH D009386, MONDO:0015356.

Submissions (2):

Ambry Genetics
Classification: Uncertain significance for Hereditary cancer-predisposing syndrome. Last evaluated: 2025-03-23. Review status: criteria provided, single submitter. Criteria: Ambry Variant Classification Scheme 2023. Collection method: clinical testing. Allele origin: germline.
Comment: The p.K2413R variant (also known as c.7238A>G), located in coding exon 48 of the ATM gene, results from an A to G substitution at nucleotide position 7238. The lysine at codon 2413 is replaced by arginine, an amino acid with highly similar properties. This amino acid position is highly conserved in available vertebrate species. In addition, the in silico prediction for this alteration is inconclusive. Since supporting evidence is limited at this time, the clinical significance of this alteration remains unclear.

Labcorp Genetics (formerly Invitae), Labcorp
Classification: Uncertain significance for Ataxia-telangiectasia syndrome. Last evaluated: 2024-08-02. Review status: criteria provided, single submitter. Criteria: Invitae Variant Classification Sherloc (09022015). Collection method: clinical testing. Allele origin: germline.
Comment: This sequence change replaces lysine, which is basic and polar, with arginine, which is basic and polar, at codon 2413 of the ATM protein (p.Lys2413Arg). This variant is not present in population databases (gnomAD no frequency). This variant has not been reported in the literature in individuals affected with ATM-related conditions. ClinVar contains an entry for this variant (Variation ID: 1757838). An algorithm developed to predict the effect of missense changes on protein structure and function (PolyPhen-2) suggests that this variant is likely to be disruptive. In summary, the available evidence is currently insufficient to determine the role of this variant in disease. Therefore, it has been classified as a Variant of Uncertain Significance.

NM_000051.4(ATM):c.7238A>G (p.Lys2413Arg)

Genes: ATM (ATM serine/threonine kinase; plus strand), C11orf65 (chromosome 11 open reading frame 65; minus strand). Cytogenetic location: 11q22.3.
Variant type: single nucleotide variant.
Coding change: c.7238A>G on transcript NM_000051.4 (MANE Select); coding-DNA position 7238, A replaced by G.
Protein change: p.Lys2413Arg; replaces lysine 2413 with arginine.
Molecular consequence: missense variant. On other transcripts: intron variant (2).
Genome position (GRCh38, 1-based): chr11:108,329,169, A>G. VCF-style: chr11-108329169-A-G. GRCh37 (hg19) VCF-style: chr11-108199896-A-G.
Other names: c.7238A>G, p.Lys2413Arg (NM_001351834.2); c.641-20098T>C (NM_001330368.2); c.*38+6051T>C (NM_001351110.2); short protein forms K2413R.
Identifiers: ClinVar variation 1757838 (VCV001757838.6), dbSNP rs2547249773, ClinGen allele CA382559699.